The following is an entry in ClinVar:

ClinVar aggregate classification (germline): Uncertain significance (1 of 4 stars; one submission).

Allele frequency attached by ClinVar (database versions not stated): gnomAD 0.00001; ExAC 0.00003; TOPMed 0.00004.
gnomAD v4.1: 11 of 1,613,880 alleles (0.00068%); highest among the groups gnomAD compares: Admixed American, 0.018%; no homozygotes.

Submission:

Labcorp Genetics (formerly Invitae), Labcorp
Classification: Uncertain significance. Last evaluated: 2022-07-13. Review status: criteria provided, single submitter. Criteria: Invitae Variant Classification Sherloc (09022015). Collection method: clinical testing. Allele origin: germline.
Comment: This sequence change replaces threonine, which is neutral and polar, with isoleucine, which is neutral and non-polar, at codon 394 of the HPS5 protein (p.Thr394Ile). This variant is present in population databases (rs764092787, gnomAD 0.03%). This variant has not been reported in the literature in individuals affected with HPS5-related conditions. Algorithms developed to predict the effect of missense changes on protein structure and function are either unavailable or do not agree on the potential impact of this missense change (SIFT: "Tolerated"; PolyPhen-2: "Possibly Damaging"; Align-GVGD: "Class C0"). Algorithms developed to predict the effect of sequence changes on RNA splicing suggest that this variant may create or strengthen a splice site. In summary, the available evidence is currently insufficient to determine the role of this variant in disease. Therefore, it has been classified as a Variant of Uncertain Significance.

NM_181507.2(HPS5):c.1181C>T (p.Thr394Ile)

Gene: HPS5 (HPS5 biogenesis of lysosomal organelles complex 2 subunit 2; minus strand). Cytogenetic location: 11p15.1.
Variant type: single nucleotide variant.
Coding change: c.1181C>T on transcript NM_181507.2 (MANE Select); coding-DNA position 1181, C replaced by T.
Protein change: p.Thr394Ile; replaces threonine 394 with isoleucine.
Molecular consequence: missense variant.
Genome position (GRCh38, 1-based): chr11:18,297,701, G>A on the plus strand (C>T on the coding strand, the complement: HPS5 is on the minus strand). VCF-style: chr11-18297701-G-A. GRCh37 (hg19) VCF-style: chr11-18319248-G-A.
Other names: c.839C>T, p.Thr280Ile (NM_007216.4, NM_181508.2); short protein forms T394I, T280I.
Identifiers: ClinVar variation 2064607 (VCV002064607.1), dbSNP rs764092787, ClinGen allele CA5910201.